The following is an entry in ClinVar:

NM_022041.4(GAN):c.306C>G (p.Ile102Met)

Gene: GAN (gigaxonin; plus strand). Cytogenetic location: 16q23.2.
Variant type: single nucleotide variant.
Coding change: c.306C>G on transcript NM_022041.4 (MANE Select); coding-DNA position 306, C replaced by G.
Protein change: p.Ile102Met; replaces isoleucine 102 with methionine.
Molecular consequence: missense variant. On other transcripts: 5 prime UTR variant (1).
Genome position (GRCh38, 1-based): chr16:81,354,428, C>G. VCF-style: chr16-81354428-C-G. GRCh37 (hg19) VCF-style: chr16-81388033-C-G.
Other names: c.-334C>G (NM_001377486.1); short protein forms I102M.
Identifiers: ClinVar variation 1799459 (VCV001799459.2), dbSNP rs749211847, ClinGen allele CA8191343.

ClinVar aggregate classification (germline): Uncertain significance (1 of 4 stars; one submission).

Conditions:
Inborn genetic diseases. Identifiers: MedGen C0950123, MeSH D030342.

gnomAD v4.1: 1 of 1,611,596 alleles (0.000062%); highest among the groups gnomAD compares: Non-Finnish European, 0.000085%; no homozygotes.

Submission:

Ambry Genetics
Classification: Uncertain significance for Inborn genetic diseases. Last evaluated: 2021-03-10. Review status: criteria provided, single submitter. Criteria: Ambry Variant Classification Scheme 2023. Collection method: clinical testing. Allele origin: germline.
Comment: The p.I102M variant (also known as c.306C>G), located in coding exon 3 of the GAN gene, results from a C to G substitution at nucleotide position 306. The isoleucine at codon 102 is replaced by methionine, an amino acid with highly similar properties. This amino acid position is highly conserved in available vertebrate species. In addition, the in silico prediction for this alteration is inconclusive. Since supporting evidence is limited at this time, the clinical significance of this alteration remains unclear.